The following is an entry in ClinVar:

ClinVar aggregate classification (germline): Uncertain significance (1 of 4 stars; one submission).

Allele frequency attached by ClinVar (database versions not stated): TOPMed 0.00001.

Submission:

Labcorp Genetics (formerly Invitae), Labcorp
Classification: Uncertain significance. Last evaluated: 2024-11-05. Review status: criteria provided, single submitter. Criteria: Invitae Variant Classification Sherloc (09022015). Collection method: clinical testing. Allele origin: germline.
Comment: This sequence change replaces lysine, which is basic and polar, with arginine, which is basic and polar, at codon 4187 of the VPS13D protein (p.Lys4187Arg). This variant is not present in population databases (gnomAD no frequency). This variant has not been reported in the literature in individuals affected with VPS13D-related conditions. ClinVar contains an entry for this variant (Variation ID: 1995140). Invitae Evidence Modeling of protein sequence and biophysical properties (such as structural, functional, and spatial information, amino acid conservation, physicochemical variation, residue mobility, and thermodynamic stability) has been performed for this missense variant. However, the output from this modeling did not meet the statistical confidence thresholds required to predict the impact of this variant on VPS13D protein function. In summary, the available evidence is currently insufficient to determine the role of this variant in disease. Therefore, it has been classified as a Variant of Uncertain Significance.

NM_015378.4(VPS13D):c.12560A>G (p.Lys4187Arg)

Gene: VPS13D (vacuolar protein sorting 13 homolog D; plus strand). Cytogenetic location: 1p36.22.
Variant type: single nucleotide variant.
Coding change: c.12560A>G on transcript NM_015378.4 (MANE Select); coding-DNA position 12560, A replaced by G.
Protein change: p.Lys4187Arg; replaces lysine 4187 with arginine.
Molecular consequence: missense variant.
Genome position (GRCh38, 1-based): chr1:12,460,294, A>G. VCF-style: chr1-12460294-A-G. GRCh37 (hg19) VCF-style: chr1-12520349-A-G.
Other names: c.12485A>G, p.Lys4162Arg (NM_018156.4); short protein forms K4187R, K4162R.
Identifiers: ClinVar variation 1995140 (VCV001995140.4), dbSNP rs1173356007, ClinGen allele CA338486910.